The following is an entry in ClinVar:

NM_001195263.2(PDZD7):c.1693G>T (p.Ala565Ser)

Gene: PDZD7 (PDZ domain containing 7; minus strand). Cytogenetic location: 10q24.31.
Variant type: single nucleotide variant.
Coding change: c.1693G>T on transcript NM_001195263.2 (MANE Select); coding-DNA position 1693, G replaced by T.
Protein change: p.Ala565Ser; replaces alanine 565 with serine.
Molecular consequence: missense variant.
Genome position (GRCh38, 1-based): chr10:101,015,692, C>A on the plus strand (G>T on the coding strand, the complement: PDZD7 is on the minus strand). VCF-style: chr10-101015692-C-A. GRCh37 (hg19) VCF-style: chr10-102775449-C-A.
Other names: c.1693G>T (NM_001195263.1); short protein forms A565S.
Identifiers: ClinVar variation 1363790 (VCV001363790.5), dbSNP rs1483933007, ClinGen allele CA378226891.

ClinVar aggregate classification (germline): Uncertain significance. Review status: criteria provided, multiple submitters, no conflicts (2 of 4 stars). 2 submissions from 2 submitters: Uncertain significance (2). Last evaluated 2025-06-24.

Allele frequency attached by ClinVar (database versions not stated): gnomAD 0.00001; gnomAD exomes 0.00001; TOPMed 0.00001.
gnomAD v4.1: 17 of 1,550,262 alleles (0.0011%); highest among the groups gnomAD compares: Middle Eastern, 0.034%; no homozygotes.

Submissions (2):

GeneDx
Classification: Uncertain significance. Last evaluated: 2025-06-24. Review status: criteria provided, single submitter. Criteria: GeneDx Variant Classification Process June 2021. Collection method: clinical testing. Allele origin: germline. Affected: yes.
Comment: Not observed at significant frequency in large population cohorts (gnomAD); In silico analysis supports that this missense variant has a deleterious effect on protein structure/function; Has not been previously published as pathogenic or benign to our knowledge

Labcorp Genetics (formerly Invitae), Labcorp
Classification: Uncertain significance. Last evaluated: 2022-01-15. Review status: criteria provided, single submitter. Criteria: Invitae Variant Classification Sherloc (09022015). Collection method: clinical testing. Allele origin: germline.
Comment: Algorithms developed to predict the effect of missense changes on protein structure and function are either unavailable or do not agree on the potential impact of this missense change (SIFT: "Deleterious"; PolyPhen-2: "Not Available"; Align-GVGD: "Class C0"). In summary, the available evidence is currently insufficient to determine the role of this variant in disease. Therefore, it has been classified as a Variant of Uncertain Significance. This variant has not been reported in the literature in individuals affected with PDZD7-related conditions. This variant is present in population databases (no rsID available, gnomAD 0.004%). This sequence change replaces alanine, which is neutral and non-polar, with serine, which is neutral and polar, at codon 565 of the PDZD7 protein (p.Ala565Ser).